The following is an entry in ClinVar:

ClinVar aggregate classification (germline): Likely benign. Review status: criteria provided, multiple submitters, no conflicts (2 of 4 stars). 3 submissions from 3 submitters: Likely benign (3). Last evaluated 2025-11-09.

Conditions:
Hereditary diffuse gastric adenocarcinoma (HDGC). Also called: DIFFUSE GASTRIC AND LOBULAR BREAST CANCER SYNDROME. Identifiers: Orphanet 26106, MedGen C1708349, MONDO:0007648, OMIM 137215.

Allele frequency attached by ClinVar (database versions not stated): TOPMed below 0.00001; gnomAD 0.00002; gnomAD exomes 0.00003 and 0.00004; ExAC 0.00006.
gnomAD v4.1: 38 of 1,462,998 alleles (0.0026%); highest among the groups gnomAD compares: South Asian, 0.039%; no homozygotes.

Submissions (3):

Labcorp Genetics (formerly Invitae), Labcorp
Classification: Likely benign. Last evaluated: 2025-11-09. Review status: criteria provided, single submitter. Criteria: Invitae Variant Classification Sherloc (09022015). Collection method: clinical testing. Allele origin: germline.

Myriad Genetics, Inc.
Classification: Likely benign for Hereditary diffuse gastric adenocarcinoma. Last evaluated: 2024-10-14. Review status: criteria provided, single submitter. Criteria: Myriad Autosomal Dominant, Autosomal Recessive and X-Linked Classification Criteria (2023). Collection method: clinical testing. Allele origin: unknown.
Comment: This variant is considered likely benign. This variant is intronic and is not expected to impact mRNA splicing.

Blueprint Genetics
Classification: Likely benign. Last evaluated: 2024-05-27. Review status: criteria provided, single submitter. Criteria: ACMG Guidelines, 2015. Collection method: clinical testing. Allele origin: germline.

NM_001903.5(CTNNA1):c.1900-11C>T

Gene: CTNNA1 (catenin alpha 1; plus strand). Cytogenetic location: 5q31.2.
Variant type: single nucleotide variant.
Coding change: c.1900-11C>T on transcript NM_001903.5 (MANE Select); 11 bases into the intron before coding-DNA position 1900, C replaced by T.
Molecular consequence: intron variant.
Genome position (GRCh38, 1-based): chr5:138,929,235, C>T. VCF-style: chr5-138929235-C-T. GRCh37 (hg19) VCF-style: chr5-138264924-C-T.
Other names: c.1900-11C>T (NM_001323982.2, NM_001323984.2, NM_001290307.3 and 2 more transcripts); c.1807-11C>T (NM_001323986.2); c.1531-11C>T (NM_001290310.3); c.1591-11C>T (NM_001290309.3); c.790-11C>T (NM_001323996.1, NM_001323993.1, NM_001324005.1 and 17 more transcripts); c.451-11C>T (NM_001324007.1, NM_001324009.1, NM_001324006.1 and 2 more transcripts); c.547-11C>T (NM_001324013.1, NM_001324012.1); c.697-11C>T (NM_001324011.1).
Identifiers: ClinVar variation 1534193 (VCV001534193.10), dbSNP rs750754229, ClinGen allele CA3432067.